The following is an entry in ClinVar:

ClinVar aggregate classification (germline): Likely benign (1 of 4 stars; one submission).

Conditions:
Familial cancer of breast. Also called: BREAST CANCER, FAMILIAL; Hereditary breast cancer; hereditary breast carcinoma. Identifiers: Orphanet 227535, MedGen C0346153, MONDO:0016419, OMIM 114480. Disease mechanism: loss of function.

Allele frequency attached by ClinVar (database versions not stated): gnomAD exomes below 0.00001.

Submission:

Myriad Genetics, Inc.
Classification: Likely benign for Familial cancer of breast. Last evaluated: 2024-04-19. Review status: criteria provided, single submitter. Criteria: Myriad Autosomal Dominant, Autosomal Recessive and X-Linked Classification Criteria (2023). Collection method: clinical testing. Allele origin: unknown.
Comment: This variant is considered likely benign. This variant is intronic and is not expected to impact mRNA splicing.

NM_000051.4(ATM):c.497-19_497-18del

Gene: ATM (ATM serine/threonine kinase; plus strand). Cytogenetic location: 11q22.3.
Variant type: Deletion.
Coding change: c.497-19_497-18del on transcript NM_000051.4 (MANE Select); 19 bases into the intron before coding-DNA position 497 through 18 bases into the intron before coding-DNA position 497, 2 bases deleted (AT; older notation c.497-19_497-18delAT).
Molecular consequence: intron variant.
Genome position (GRCh38, 1-based): chr11:108,243,934-108,243,935, AT deleted. VCF-style (leftmost placement, unchanged base first): chr11-108243933-AAT-A. GRCh37 (hg19) VCF-style: chr11-108114660-AAT-A.
Other names: c.497-19_497-18del (NM_001351834.2).
Identifiers: ClinVar variation 3253829 (VCV003253829.1), dbSNP rs2497127187.